The following is an entry in ClinVar:

NM_174936.4(PCSK9):c.1403C>T (p.Thr468Ile)

Gene: PCSK9 (proprotein convertase subtilisin/kexin type 9; plus strand). Cytogenetic location: 1p32.3.
Variant type: single nucleotide variant.
Coding change: c.1403C>T on transcript NM_174936.4 (MANE Select); coding-DNA position 1403, C replaced by T.
Protein change: p.Thr468Ile; replaces threonine 468 with isoleucine.
Molecular consequence: missense variant.
Genome position (GRCh38, 1-based): chr1:55,058,547, C>T. VCF-style: chr1-55058547-C-T. GRCh37 (hg19) VCF-style: chr1-55524220-C-T.
Other names: c.1526C>T, p.Thr509Ile (NM_001407240.1); c.1403C>T, p.Thr468Ile (NM_001407241.1); c.1406C>T, p.Thr469Ile (NM_001407242.1); c.1346C>T, p.Thr449Ile (NM_001407243.1); c.1229C>T, p.Thr410Ile (NM_001407244.1); c.1211C>T, p.Thr404Ile (NM_001407245.1); c.1028C>T, p.Thr343Ile (NM_001407246.1); short protein forms T468I, T343I, T404I, T410I, T449I, T469I, T509I.
Identifiers: ClinVar variation 922099 (VCV000922099.5), dbSNP rs1478694424, ClinGen allele CA340478821.
Genomic context (GRCh38, chr1:55,058,547, plus strand): 5'-CCCTTTTTGCAGGTTGGCAGCTGTTTTGCAGGACTGTATGGTCAGCACACTCGGGGCCTA[C>T]ACGGATGGCCACAGCCGTCGCCCGCTGCGCCCCAGATGAGGAGCTGCTGAGCTGCTCCAG-3'
Protein context (NP_777596.2, residues 458-478): RTVWSAHSGP[Thr468Ile]RMATAVARCA

ClinVar aggregate classification (germline): Uncertain significance (1 of 4 stars; one submission).

Conditions:
Familial hypercholesterolemia. Also called: Familial hypercholesterolaemia. Identifiers: MedGen C0020445, MONDO:0005439.

Allele frequency attached by ClinVar (database versions not stated): TOPMed 0.00001.

Submission:

Color Diagnostics, LLC DBA Color Health
Classification: Uncertain significance for Familial hypercholesterolemia. Last evaluated: 2024-03-06. Review status: criteria provided, single submitter. Criteria: ACMG Guidelines, 2015. Collection method: clinical testing. Allele origin: germline.
Comment: This missense variant replaces threonine with isoleucine at codon 468 of the PCSK9 protein. Computational prediction tool suggests that this variant may not impact protein structure and function (internally defined REVEL score threshold <=0.5, PMID: 27666373). Splice site prediction tools suggest that this variant may not impact RNA splicing. To our knowledge, functional studies have not been performed for this variant. This variant has not been reported in individuals affected with familial hypercholesterolemia in the literature. This variant has not been identified in the general population by the Genome Aggregation Database (gnomAD). The available evidence is insufficient to determine the role of this variant in disease conclusively. Therefore, this variant is classified as a Variant of Uncertain Significance.